The following is an entry in ClinVar:

NM_000390.4(CHM):c.940+1G>T

Gene: CHM (CHM Rab escort protein; minus strand). Cytogenetic location: Xq21.2.
Variant type: single nucleotide variant.
Coding change: c.940+1G>T on transcript NM_000390.4 (MANE Select); the canonical splice donor site of the intron after coding-DNA position 940, G replaced by T.
Molecular consequence: splice donor variant.
Genome position (GRCh38, 1-based): chrX:85,957,854, C>A on the plus strand (G>T on the coding strand, the complement: CHM is on the minus strand). VCF-style: chrX-85957854-C-A. GRCh37 (hg19) VCF-style: chrX-85212859-C-A.
Other names: c.496+1G>T (NM_001362519.1, NM_001362517.1, NM_001320959.1 and 1 more transcripts).
Identifiers: ClinVar variation 955430 (VCV000955430.8), dbSNP rs1930082852, ClinGen allele CA413785637.

ClinVar aggregate classification (germline): Pathogenic (1 of 4 stars; one submission).

Submission:

Labcorp Genetics (formerly Invitae), Labcorp
Classification: Pathogenic. Last evaluated: 2019-09-18. Review status: criteria provided, single submitter. Criteria: Invitae Variant Classification Sherloc (09022015). Collection method: clinical testing. Allele origin: germline.
Comment: For these reasons, this variant has been classified as Pathogenic. Donor and acceptor splice site variants typically lead to a loss of protein function (PMID: 16199547), and loss-of-function variants in CHM are known to be pathogenic (PMID: 9067750, 23811034). Experimental studies have shown that this variant disrupts mRNA splicing (PMID: 21905166). This variant has been observed in individuals affected with choroideremia (PMID: 12203991, 21905166). This variant is also known as c.970+1G>T in the literature. This variant is not present in population databases (ExAC no frequency). This sequence change affects a donor splice site in intron 7 of the CHM gene. It is expected to disrupt RNA splicing and likely results in an absent or disrupted protein product.

Literature cited by the submitters: PubMed 16199547; PubMed 9067750; PubMed 23811034; PubMed 21905166; PubMed 12203991.